The following is an entry in ClinVar:

ClinVar aggregate classification (germline): Uncertain significance (1 of 4 stars; one submission).

Submission:

Labcorp Genetics (formerly Invitae), Labcorp
Classification: Uncertain significance. Last evaluated: 2022-07-12. Review status: criteria provided, single submitter. Criteria: Invitae Variant Classification Sherloc (09022015). Collection method: clinical testing. Allele origin: germline.
Comment: Algorithms developed to predict the effect of sequence changes on RNA splicing suggest that this variant may disrupt the consensus splice site. ClinVar contains an entry for this variant (Variation ID: 849605). This variant has not been reported in the literature in individuals affected with PRPF4-related conditions. This variant is not present in population databases (gnomAD no frequency). This sequence change affects an acceptor splice site in intron 4 of the PRPF4 gene. It is expected to disrupt RNA splicing. Variants that disrupt the donor or acceptor splice site typically lead to a loss of protein function (PMID: 16199547), however the current clinical and genetic evidence is not sufficient to establish whether loss-of-function variants in PRPF4 cause disease. In summary, the available evidence is currently insufficient to determine the role of this variant in disease. Therefore, it has been classified as a Variant of Uncertain Significance.

Literature cited by the submitters: PubMed 16199547.

NM_001244926.2(PRPF4):c.481-2A>G

Gene: PRPF4 (pre-mRNA splicing tri-snRNP complex factor PRPF4; plus strand). Cytogenetic location: 9q32.
Variant type: single nucleotide variant.
Coding change: c.481-2A>G on transcript NM_001244926.2 (MANE Select); the canonical splice acceptor site of the intron before coding-DNA position 481, A replaced by G.
Molecular consequence: splice acceptor variant.
Genome position (GRCh38, 1-based): chr9:113,283,130, A>G. VCF-style: chr9-113283130-A-G. GRCh37 (hg19) VCF-style: chr9-116045410-A-G.
Other names: c.-285-2A>G (NM_001322267.2, NM_001322266.2); c.484-2A>G (NM_004697.5).
Identifiers: ClinVar variation 849605 (VCV000849605.8), dbSNP rs1832331388, ClinGen allele CA374552896.
Genomic context (GRCh38, chr9:113,283,130, plus strand): 5'-ACAGTTATAAGAGGAGTAGAATGCTTCAGATTTGACCTTTCTGCTCTTAATTTGCCTTTC[A>G]GTATCAGCAAACCTGGTATCATGAAGGACCAAATAGCTTGAAGGTGGCAAGACTATGGAT-3'